The following is an entry in ClinVar:

ClinVar aggregate classification (germline): Pathogenic (1 of 4 stars; one submission).

Conditions:
Dilated cardiomyopathy 1J (CMD1J). Also called: CARDIOMYOPATHY, DILATED, WITH SENSORINEURAL HEARING LOSS, AUTOSOMAL DOMINANT. Identifiers: Orphanet 217622, MedGen C1854368, MONDO:0011541, OMIM 605362.

Submission:

Labcorp Genetics (formerly Invitae), Labcorp
Classification: Pathogenic for Dilated cardiomyopathy 1J. Last evaluated: 2024-05-01. Review status: criteria provided, single submitter. Criteria: Invitae Variant Classification Sherloc (09022015). Collection method: clinical testing. Allele origin: germline.
Comment: This sequence change creates a premature translational stop signal (p.Val75Phefs*2) in the EYA4 gene. It is expected to result in an absent or disrupted protein product. Loss-of-function variants in EYA4 are known to be pathogenic (PMID: 11159937, 25781927, 25963406). This variant is present in population databases (no rsID available, gnomAD 0.0009%). This variant has not been reported in the literature in individuals affected with EYA4-related conditions. For these reasons, this variant has been classified as Pathogenic.

Literature cited by the submitters: PubMed 11159937; PubMed 25781927; PubMed 25963406.

NM_004100.5(EYA4):c.222del (p.Val75fs)

Gene: EYA4 (EYA transcriptional coactivator and phosphatase 4; plus strand). Cytogenetic location: 6q23.2.
Variant type: Deletion.
Coding change: c.222del on transcript NM_004100.5 (MANE Select); coding-DNA position 222, one base deleted (T; older notation c.222delT).
Protein change: p.Val75fs; shifts the reading frame from valine 75.
Molecular consequence: frameshift variant. On other transcripts: intron variant (4).
Genome position (GRCh38, 1-based): chr6:133,448,124, T deleted. VCF-style (leftmost placement, unchanged base first): chr6-133448123-CT-C. GRCh37 (hg19) VCF-style: chr6-133769261-CT-C.
Other names: c.222del, p.Val75fs (NM_001301013.2, NM_172105.4); c.208+1370del (NM_001370458.1, NM_172103.4, NM_001370459.1 and 1 more transcripts); short protein forms V75fs.
Identifiers: ClinVar variation 3630137 (VCV003630137.2).